The following is an entry in ClinVar:

ClinVar aggregate classification (germline): Conflicting classifications of pathogenicity. Review status: criteria provided, conflicting classifications (1 of 4 stars). 3 submissions from 3 submitters: Likely pathogenic (1); Uncertain significance (2). Last evaluated 2024-01-08.

Conditions:
ALG1-congenital disorder of glycosylation. Also called: CONGENITAL DISORDER OF GLYCOSYLATION, TYPE Ik; CDG Ik; ALG1-CDG. Identifiers: Orphanet 79327, MedGen C2931005, MONDO:0012052, OMIM 608540.
Congenital disorder of glycosylation (CDG). Also called: Carbohydrate-deficient glycoprotein syndrome; Congenital disorders of glycosylation. Identifiers: Orphanet 137, MedGen C0282577, MONDO:0015286.

Allele frequency attached by ClinVar (database versions not stated): ExAC 0.00001; gnomAD 0.00001; gnomAD exomes 0.00001; TOPMed 0.00001.

Submissions (3):

Women's Health and Genetics/Laboratory Corporation of America, LabCorp
Classification: Uncertain significance. Last evaluated: 2024-01-08. Review status: criteria provided, single submitter. Criteria: LabCorp Variant Classification Summary - May 2015. Collection method: clinical testing. Allele origin: germline.
Comment: Variant summary: ALG1 c.1146G>A (p.Met382Ile) results in a conservative amino acid change located in the Glycosyl transferase, family 1 domain (IPR001296) of the encoded protein sequence. Four of five in-silico tools predict a damaging effect of the variant on protein function. The variant allele was found at a frequency of 8e-06 in 250504 control chromosomes (gnomAD). The available data on variant occurrences in the general population are insufficient to allow any conclusion about variant significance. To our knowledge, no occurrence of c.1146G>A in individuals affected with Congenital Disorder Of Glycosylation Type 1K and no experimental evidence demonstrating its impact on protein function have been reported. ClinVar contains an entry for this variant (Variation ID: 1483545). Based on the evidence outlined above, the variant was classified as uncertain significance.

Labcorp Genetics (formerly Invitae), Labcorp
Classification: Likely pathogenic for ALG1-congenital disorder of glycosylation. Last evaluated: 2023-10-17. Review status: criteria provided, single submitter. Criteria: Invitae Variant Classification Sherloc (09022015). Collection method: clinical testing. Allele origin: germline.
Comment: This sequence change replaces methionine, which is neutral and non-polar, with isoleucine, which is neutral and non-polar, at codon 382 of the ALG1 protein (p.Met382Ile). This variant is present in population databases (rs778368053, gnomAD 0.004%). This variant has not been reported in the literature in individuals affected with ALG1-related conditions. ClinVar contains an entry for this variant (Variation ID: 1483545). Advanced modeling of protein sequence and biophysical properties (such as structural, functional, and spatial information, amino acid conservation, physicochemical variation, residue mobility, and thermodynamic stability) performed at Invitae indicates that this missense variant is expected to disrupt ALG1 protein function. This variant disrupts the p.Met382 amino acid residue in ALG1. Other variant(s) that disrupt this residue have been determined to be pathogenic (PMID: 22966035, 24157261). This suggests that this residue is clinically significant, and that variants that disrupt this residue are likely to be disease-causing. In summary, the currently available evidence indicates that the variant is pathogenic, but additional data are needed to prove that conclusively. Therefore, this variant has been classified as Likely Pathogenic.

Broad Center for Mendelian Genomics, Broad Institute of MIT and Harvard
Classification: Uncertain significance for Congenital disorder of glycosylation. Last evaluated: 2022-05-04. Review status: criteria provided, single submitter. Criteria: ACMG Guidelines, 2015. Collection method: curation. Allele origin: germline. Inheritance: Autosomal recessive inheritance.
Comment: The variant has not been previously reported in individuals with congenital disorder of glycosylation, type Ik but has been identified in 0.005% (1/21620) of European Finnish and 0.0009% (1/112964) of European non-Finnish chromosomes by the Genome Aggregation Database (gnomAD; dbSNP ID: rs778368053). Although this variant has been seen in the general population, its frequency is low enough to be consistent with a recessive carrier frequency. Computational prediction tools and conservation analyses suggest that this variant may impact the protein, though this information is not predictive enough to determine pathogenicity. The presence of this variant in combination with a reported pathogenic variant increases the likelihood that the p.Met382Ile variant is pathogenic (Variation ID: 224118). In summary, while there is some suspicion for a pathogenic role, the clinical significance of this variant is uncertain. ACMG/AMP Criteria applied: PM2, PM3, PP3 (Richards 2015).

Literature cited by the submitters: PubMed 22966035 (cited by Labcorp Genetics (formerly Invitae), Labcorp); PubMed 24157261 (cited by Labcorp Genetics (formerly Invitae), Labcorp).

NM_019109.5(ALG1):c.1146G>A (p.Met382Ile)

Gene: ALG1 (ALG1 chitobiosyldiphosphodolichol beta-mannosyltransferase; plus strand). Cytogenetic location: 16p13.3.
Variant type: single nucleotide variant.
Coding change: c.1146G>A on transcript NM_019109.5 (MANE Select); coding-DNA position 1146, G replaced by A.
Protein change: p.Met382Ile; replaces methionine 382 with isoleucine.
Molecular consequence: missense variant.
Genome position (GRCh38, 1-based): chr16:5,082,632, G>A. VCF-style: chr16-5082632-G-A. GRCh37 (hg19) VCF-style: chr16-5132633-G-A.
Other names: NM_019109.5:c.1146G>A; c.813G>A, p.Met271Ile (NM_001330504.2); short protein forms M271I, M382I.
Identifiers: ClinVar variation 1483545 (VCV001483545.10), dbSNP rs778368053, ClinGen allele CA7890239.